The following is an entry in ClinVar:

ClinVar aggregate classification (germline): Uncertain significance (1 of 4 stars; one submission).

gnomAD v4.1: 1 of 1,610,240 alleles (0.000062%); highest among the groups gnomAD compares: Non-Finnish European, 0.000085%; no homozygotes.

Submission:

Ambry Genetics
Classification: Uncertain significance. Last evaluated: 2023-07-10. Review status: criteria provided, single submitter. Criteria: Ambry Variant Classification Scheme 2023. Collection method: clinical testing. Allele origin: germline.
Comment: The p.E422D variant (also known as c.1266G>T), located in coding exon 11 of the BUB1 gene, results from a G to T substitution at nucleotide position 1266. The glutamic acid at codon 422 is replaced by aspartic acid, an amino acid with highly similar properties. This amino acid position is conserved. In addition, this alteration is predicted to be tolerated by in silico analysis. Since supporting evidence is limited at this time, the clinical significance of this alteration remains unclear.

NM_004336.5(BUB1):c.1266G>T (p.Glu422Asp)

Gene: BUB1 (BUB1 mitotic checkpoint serine/threonine kinase; minus strand). Cytogenetic location: 2q13.
Variant type: single nucleotide variant.
Coding change: c.1266G>T on transcript NM_004336.5 (MANE Select); coding-DNA position 1266, G replaced by T.
Protein change: p.Glu422Asp; replaces glutamic acid 422 with aspartic acid.
Molecular consequence: missense variant.
Genome position (GRCh38, 1-based): chr2:110,659,988, C>A on the plus strand (G>T on the coding strand, the complement: BUB1 is on the minus strand). VCF-style: chr2-110659988-C-A. GRCh37 (hg19) VCF-style: chr2-111417565-C-A.
Other names: c.1206G>T, p.Glu402Asp (NM_001278616.2); c.1266G>T, p.Glu422Asp (NM_001278617.2); short protein forms E402D, E422D.
Identifiers: ClinVar variation 2624738 (VCV002624738.2), dbSNP rs2468013366, ClinGen allele CA348213988.